The following is an entry in ClinVar:

NM_012188.5(FOXI1):c.376T>A (p.Tyr126Asn)

Gene: FOXI1 (forkhead box I1; plus strand). Cytogenetic location: 5q35.1.
Variant type: single nucleotide variant.
Coding change: c.376T>A on transcript NM_012188.5 (MANE Select); coding-DNA position 376, T replaced by A.
Protein change: p.Tyr126Asn; replaces tyrosine 126 with asparagine.
Molecular consequence: missense variant.
Genome position (GRCh38, 1-based): chr5:170,106,333, T>A. VCF-style: chr5-170106333-T-A. GRCh37 (hg19) VCF-style: chr5-169533337-T-A.
Other names: c.376T>A, p.Tyr126Asn (NM_144769.4); short protein forms Y126N.
Identifiers: ClinVar variation 4526494 (VCV004526494.1).

ClinVar aggregate classification (germline): Likely pathogenic (1 of 4 stars; one submission).

Conditions:
Autosomal recessive nonsyndromic hearing loss 4 (DFNB4). Also called: Deafness, autosomal recessive 4; FOXI1-Related Pendred Syndrome; KCNJ10-Related Pendred Syndrome; DEAFNESS, AUTOSOMAL RECESSIVE 4, WITH ENLARGED VESTIBULAR AQUEDUCT, DIGENIC; Deafness, autosomal recessive 4, with enlarged vestibular aqueduct; NEUROSENSORY NONSYNDROMIC RECESSIVE DEAFNESS 4. Identifiers: Orphanet 90636, MedGen C3538946, MONDO:0010933, OMIM 600791.

Submission:

MVZ Medizinische Genetik Mainz
Classification: Likely pathogenic for Autosomal recessive nonsyndromic hearing loss 4. Last evaluated: 2025-09-30. Review status: criteria provided, single submitter. Criteria: UK Practice Guidelines For Variant Classification V4 01 2020. Collection method: clinical testing. Allele origin: germline. Inheritance: Autosomal recessive inheritance. Affected: yes. Observed: 1 variant allele.
Comment: ACMG Criteria: PP3_STR,PM2_SUP,PM3_SUP,PP4